The following is an entry in ClinVar:

ClinVar aggregate classification (germline): Uncertain significance. Review status: criteria provided, multiple submitters, no conflicts (2 of 4 stars). 2 submissions from 2 submitters: Uncertain significance (2). Last evaluated 2026-01-26.

Conditions:
Kabuki syndrome 2 (KABUK2). Also called: KDM6A-Related Kabuki Syndrome. Identifiers: Orphanet 2322, MedGen C3275495, MONDO:0010465, OMIM 300867.
Inborn genetic diseases. Identifiers: MedGen C0950123, MeSH D030342.

Allele frequency attached by ClinVar (database versions not stated): gnomAD exomes below 0.00001.
gnomAD v4.1: 4 of 1,206,102 alleles (0.00033%); highest among the groups gnomAD compares: Non-Finnish European, 0.00045%; no homozygotes.

Submissions (2):

Ambry Genetics
Classification: Uncertain significance for Inborn genetic diseases. Last evaluated: 2026-01-26. Review status: criteria provided, single submitter. Criteria: Ambry Variant Classification Scheme 2023. Collection method: clinical testing. Allele origin: germline.

Labcorp Genetics (formerly Invitae), Labcorp
Classification: Uncertain significance for Kabuki syndrome 2. Last evaluated: 2022-12-20. Review status: criteria provided, single submitter. Criteria: Invitae Variant Classification Sherloc (09022015). Collection method: clinical testing. Allele origin: germline.
Comment: This variant has not been reported in the literature in individuals affected with KDM6A-related conditions. This variant is not present in population databases (gnomAD no frequency). This sequence change replaces serine, which is neutral and polar, with glycine, which is neutral and non-polar, at codon 626 of the KDM6A protein (p.Ser626Gly). Advanced modeling of protein sequence and biophysical properties (such as structural, functional, and spatial information, amino acid conservation, physicochemical variation, residue mobility, and thermodynamic stability) performed at Invitae indicates that this missense variant is not expected to disrupt KDM6A protein function. In summary, the available evidence is currently insufficient to determine the role of this variant in disease. Therefore, it has been classified as a Variant of Uncertain Significance.

NM_001291415.2(KDM6A):c.2032A>G (p.Ser678Gly)

Gene: KDM6A (lysine demethylase 6A; plus strand). Cytogenetic location: Xp11.3.
Variant type: single nucleotide variant.
Coding change: c.2032A>G on transcript NM_001291415.2 (MANE Select); coding-DNA position 2032, A replaced by G.
Protein change: p.Ser678Gly; replaces serine 678 with glycine.
Molecular consequence: missense variant. On other transcripts: non-coding transcript variant (1).
Genome position (GRCh38, 1-based): chrX:45,063,770, A>G. VCF-style: chrX-45063770-A-G. GRCh37 (hg19) VCF-style: chrX-44923015-A-G.
Other names: c.1897A>G, p.Ser633Gly (NM_001291416.2, NM_001419811.1); c.1741A>G, p.Ser581Gly (NM_001291417.2); c.1639A>G, p.Ser547Gly (NM_001291418.2, NM_001419815.1); c.988A>G, p.Ser330Gly (NM_001291421.2); c.1774A>G, p.Ser592Gly (NM_001410742.1, NM_001419814.1); c.2032A>G, p.Ser678Gly (NM_001419809.1); c.1930A>G, p.Ser644Gly (NM_001419810.1, NM_001419813.1); c.1876A>G, p.Ser626Gly (NM_001419812.1, NM_021140.4); and 1 more; short protein forms S330G, S581G, S626G, S644G, S547G, S592G, S678G, S633G.
Identifiers: ClinVar variation 2822525 (VCV002822525.4), dbSNP rs2522872299, ClinGen allele CA412790752.
Genomic context (GRCh38, chrX:45,063,770, plus strand): 5'-AACGTGCCTTACCTGCAGCGAAACGCACTCACTCTACCTCATAACCGCACAAACCTGACC[A>G]GCAGCGCAGAGGAGCCGTGGAAAAACCAACTATCTAACTCCACTCAGGTAATAGGAGGAC-3'
Protein context (NP_001278344.1, residues 668-688): TLPHNRTNLT[Ser678Gly]SAEEPWKNQL